The following is an entry in ClinVar:

NM_007373.4(SHOC2):c.1292T>C (p.Ile431Thr)

Gene: SHOC2 (SHOC2 leucine rich repeat scaffold protein; plus strand). Cytogenetic location: 10q25.2.
Variant type: single nucleotide variant.
Coding change: c.1292T>C on transcript NM_007373.4 (MANE Select); coding-DNA position 1292, T replaced by C.
Protein change: p.Ile431Thr; replaces isoleucine 431 with threonine.
Molecular consequence: missense variant. On other transcripts: non-coding transcript variant (1).
Genome position (GRCh38, 1-based): chr10:111,009,255, T>C. VCF-style: chr10-111009255-T-C. GRCh37 (hg19) VCF-style: chr10-112769013-T-C.
Other names: c.1154T>C, p.Ile385Thr (NM_001269039.3); c.1292T>C, p.Ile431Thr (NM_001324336.2, NM_001324337.2); short protein forms I385T, I431T.
Identifiers: ClinVar variation 2732305 (VCV002732305.3), dbSNP rs772112498, ClinGen allele CA5689753.

ClinVar aggregate classification (germline): Uncertain significance (1 of 4 stars; one submission).

Conditions:
RASopathy. Also called: rasopathies; Noonan spectrum disorder. Identifiers: Orphanet 536391, MedGen C5555857, MONDO:0021060.

Allele frequency attached by ClinVar (database versions not stated): gnomAD 0.00001; ExAC 0.00002; gnomAD exomes below 0.00001.
gnomAD v4.1: 4 of 1,561,866 alleles (0.00026%); highest among the groups gnomAD compares: Admixed American, 0.0033%; no homozygotes.

Submission:

Labcorp Genetics (formerly Invitae), Labcorp
Classification: Uncertain significance for RASopathy. Last evaluated: 2026-01-21. Review status: criteria provided, single submitter. Criteria: Invitae Variant Classification Sherloc (09022015). Collection method: clinical testing. Allele origin: germline.
Comment: This sequence change replaces isoleucine, which is neutral and non-polar, with threonine, which is neutral and polar, at codon 431 of the SHOC2 protein (p.Ile431Thr). This variant is present in population databases (rs772112498, gnomAD 0.006%). This variant has not been reported in the literature in individuals affected with SHOC2-related conditions. ClinVar contains an entry for this variant (Variation ID: 2732305). Invitae Evidence Modeling of protein sequence and biophysical properties (such as structural, functional, and spatial information, amino acid conservation, physicochemical variation, residue mobility, and thermodynamic stability) indicates that this missense variant is not expected to disrupt SHOC2 protein function with a negative predictive value of 80%. In summary, the available evidence is currently insufficient to determine the role of this variant in disease. Therefore, it has been classified as a Variant of Uncertain Significance.